The following is an entry in ClinVar:

NM_001170629.2(CHD8):c.7524T>A (p.His2508Gln)

Gene: CHD8 (chromodomain helicase DNA binding protein 8; minus strand). Cytogenetic location: 14q11.2.
Variant type: single nucleotide variant.
Coding change: c.7524T>A on transcript NM_001170629.2 (MANE Select); coding-DNA position 7524, T replaced by A.
Protein change: p.His2508Gln; replaces histidine 2508 with glutamine.
Molecular consequence: missense variant.
Genome position (GRCh38, 1-based): chr14:21,385,835, A>T on the plus strand (T>A on the coding strand, the complement: CHD8 is on the minus strand). VCF-style: chr14-21385835-A-T. GRCh37 (hg19) VCF-style: chr14-21853994-A-T.
Other names: c.6687T>A, p.His2229Gln (NM_020920.4); short protein forms H2229Q, H2508Q.
Identifiers: ClinVar variation 2504370 (VCV002504370.1), dbSNP rs1887199034, ClinGen allele CA388874902.

ClinVar aggregate classification (germline): Uncertain significance (1 of 4 stars; one submission).

Submission:

GeneDx
Classification: Uncertain significance. Last evaluated: 2022-12-02. Review status: criteria provided, single submitter. Criteria: GeneDx Variant Classification Process June 2021. Collection method: clinical testing. Allele origin: germline. Affected: yes.
Comment: Not observed at significant frequency in large population cohorts (gnomAD); In silico analysis supports that this missense variant does not alter protein structure/function; Has not been previously published as pathogenic or benign to our knowledge